The following is an entry in ClinVar:

NM_145331.3(MAP3K7):c.1472G>A (p.Gly491Glu)

Gene: MAP3K7 (mitogen-activated protein kinase kinase kinase 7; minus strand). Cytogenetic location: 6q15.
Variant type: single nucleotide variant.
Coding change: c.1472G>A on transcript NM_145331.3 (MANE Select); coding-DNA position 1472, G replaced by A.
Protein change: p.Gly491Glu; replaces glycine 491 with glutamic acid.
Molecular consequence: missense variant.
Genome position (GRCh38, 1-based): chr6:90,519,310, C>T on the plus strand (G>A on the coding strand, the complement: MAP3K7 is on the minus strand). VCF-style: chr6-90519310-C-T. GRCh37 (hg19) VCF-style: chr6-91229029-C-T.
Other names: c.1391G>A, p.Gly464Glu (NM_003188.4, NM_145333.3); c.1472G>A, p.Gly491Glu (NM_145332.3); short protein forms G464E, G491E.
Identifiers: ClinVar variation 3652709 (VCV003652709.2).

ClinVar aggregate classification (germline): Uncertain significance (1 of 4 stars; one submission).

Submission:

Labcorp Genetics (formerly Invitae), Labcorp
Classification: Uncertain significance. Last evaluated: 2024-05-08. Review status: criteria provided, single submitter. Criteria: Invitae Variant Classification Sherloc (09022015). Collection method: clinical testing. Allele origin: germline.
Comment: This sequence change replaces glycine, which is neutral and non-polar, with glutamic acid, which is acidic and polar, at codon 491 of the MAP3K7 protein (p.Gly491Glu). This variant is not present in population databases (gnomAD no frequency). This variant has not been reported in the literature in individuals affected with MAP3K7-related conditions. An algorithm developed to predict the effect of missense changes on protein structure and function (PolyPhen-2) suggests that this variant is likely to be disruptive. In summary, the available evidence is currently insufficient to determine the role of this variant in disease. Therefore, it has been classified as a Variant of Uncertain Significance.